The following is an entry in ClinVar:

NM_012281.3(KCND2):c.469G>T (p.Ala157Ser)

Gene: KCND2 (potassium voltage-gated channel subfamily D member 2; plus strand). Cytogenetic location: 7q31.31.
Variant type: single nucleotide variant.
Coding change: c.469G>T on transcript NM_012281.3 (MANE Select); coding-DNA position 469, G replaced by T.
Protein change: p.Ala157Ser; replaces alanine 157 with serine.
Molecular consequence: missense variant.
Genome position (GRCh38, 1-based): chr7:120,275,101, G>T. VCF-style: chr7-120275101-G-T. GRCh37 (hg19) VCF-style: chr7-119915155-G-T.
Other names: short protein forms A157S.
Identifiers: ClinVar variation 4777476 (VCV004777476.1).

ClinVar aggregate classification (germline): Uncertain significance (1 of 4 stars; one submission).

Conditions:
Early Myoclonic Encephalopathy. Identifiers: MedGen C0270855.

gnomAD v4.1: 3 of 1,613,588 alleles (0.00019%); highest among the groups gnomAD compares: Non-Finnish European, 0.00017%; no homozygotes.

Submission:

Labcorp Genetics (formerly Invitae), Labcorp
Classification: Uncertain significance for Early Myoclonic Encephalopathy. Last evaluated: 2025-06-04. Review status: criteria provided, single submitter. Criteria: Invitae Variant Classification Sherloc (09022015). Collection method: clinical testing. Allele origin: germline.
Comment: This sequence change replaces alanine, which is neutral and non-polar, with serine, which is neutral and polar, at codon 157 of the KCND2 protein (p.Ala157Ser). This variant is not present in population databases (gnomAD no frequency). This variant has not been reported in the literature in individuals affected with KCND2-related conditions. Invitae Evidence Modeling of protein sequence and biophysical properties (such as structural, functional, and spatial information, amino acid conservation, physicochemical variation, residue mobility, and thermodynamic stability) indicates that this missense variant is not expected to disrupt KCND2 protein function with a negative predictive value of 95%. In summary, the available evidence is currently insufficient to determine the role of this variant in disease. Therefore, it has been classified as a Variant of Uncertain Significance.